The following is an entry in ClinVar:

NM_000038.6(APC):c.4396G>T (p.Gly1466Ter)

Gene: APC (APC regulator of Wnt signaling pathway; plus strand). Cytogenetic location: 5q22.2.
Variant type: single nucleotide variant.
Coding change: c.4396G>T on transcript NM_000038.6 (MANE Select); coding-DNA position 4396, G replaced by T.
Protein change: p.Gly1466Ter; replaces glycine 1466 with a stop codon.
Molecular consequence: nonsense.
Genome position (GRCh38, 1-based): chr5:112,839,990, G>T. VCF-style: chr5-112839990-G-T. GRCh37 (hg19) VCF-style: chr5-112175687-G-T.
Other names: c.4396G>T, p.Gly1466Ter (NM_001127510.3, NM_001354895.2, NM_001407450.1); c.4342G>T, p.Gly1448Ter (NM_001127511.3); c.4450G>T, p.Gly1484Ter (NM_001354896.2, NM_001407447.1, NM_001407448.1 and 1 more transcripts); c.4426G>T, p.Gly1476Ter (NM_001354897.2); c.4321G>T, p.Gly1441Ter (NM_001354898.2); c.4312G>T, p.Gly1438Ter (NM_001354899.2); c.4273G>T, p.Gly1425Ter (NM_001354900.2); c.4219G>T, p.Gly1407Ter (NM_001354901.2, NM_001407453.1); and 11 more; short protein forms G1082*, G1306*, G1383*, G1407*, G1425*, G1448*, G1459*, G1494*.
Identifiers: ClinVar variation 2000621 (VCV002000621.4), dbSNP rs1765672840, ClinGen allele CA16030960.

ClinVar aggregate classification (germline): Pathogenic (1 of 4 stars; one submission).

Conditions:
Familial adenomatous polyposis 1 (FAP1). Also called: FAMILIAL ADENOMATOUS POLYPOSIS 1, ATTENUATED; POLYPOSIS, ADENOMATOUS INTESTINAL. Identifiers: MedGen C2713442, MONDO:0021056, OMIM 175100. Disease mechanism: loss of function.

Submission:

Labcorp Genetics (formerly Invitae), Labcorp
Classification: Pathogenic for Familial adenomatous polyposis 1. Last evaluated: 2022-05-31. Review status: criteria provided, single submitter. Criteria: Invitae Variant Classification Sherloc (09022015). Collection method: clinical testing. Allele origin: germline.
Comment: For these reasons, this variant has been classified as Pathogenic. A different truncation (p.Tyr2645Lysfs*14) that lies downstream of this variant has been determined to be pathogenic (PMID: 9824584, 1316610, 27081525, 8381579, 22135120, Invitae). This suggests that deletion of this region of the APC protein is causative of disease. This variant is expected to disrupt the EB1 and HDLG binding sites, which mediate interactions with the cytoskeleton (PMID: 15311282, 17293347). While functional studies have not been performed to directly test the effect on APC protein function, this suggests that disruption of the C-terminal portion of the protein is functionally important. This variant has not been reported in the literature in individuals affected with APC-related conditions. This variant is not present in population databases (gnomAD no frequency). This sequence change creates a premature translational stop signal (p.Gly1466*) in the APC gene. While this is not anticipated to result in nonsense mediated decay, it is expected to disrupt the last 1378 amino acid(s) of the APC protein.

Literature cited by the submitters: PubMed 9824584; PubMed 1316610; PubMed 27081525; PubMed 8381579; PubMed 22135120; PubMed 15311282; PubMed 17293347.